The following is an entry in ClinVar:

ClinVar aggregate classification (germline): Uncertain significance (1 of 4 stars; one submission).

Submission:

Women's Health and Genetics/Laboratory Corporation of America, LabCorp
Classification: Uncertain significance. Last evaluated: 2024-10-22. Review status: criteria provided, single submitter. Criteria: LabCorp Variant Classification Summary - May 2015. Collection method: clinical testing. Allele origin: germline.
Comment: Variant summary: The variant involves the duplication of exons 1-38 in the LRPPRC gene. A presumed nomenclature of c.(?_-43)_(*2377_?)dup has been designated for the purposes of this classification. This duplication includes the entire coding sequence of the gene. As exact breakpoints are unknown, it may extend beyond the annotated region of the gene, to include other flanking genes. A large duplication, which encompasses the entire LRPPRC gene (and extends further upstream, to include multiple other genes (DYNC2LI1, ABCG5, ABCG8); size: ~222 kbp) was found at a frequency of 7.1e-05 in 462882 control chromosomes in the gnomAD database (CNVs v4.1 dataset). This frequency is not significantly higher than estimated for a pathogenic variant in LRPPRC causing Leigh Syndrome, French-Canadian Type (0.0005), allowing no conclusion about variant significance. To our knowledge, no occurrence of c.(?_-43)_(*2377_?)dup in individuals affected with Leigh Syndrome, French-Canadian Type and no experimental evidence demonstrating its impact on protein function have been reported. ClinVar contains an entry for this variant (Variation ID: 1343728). Based on the evidence outlined above, the variant was classified as uncertain significance.

NC_000002.11:g.(?_44113362)_(44223129_?)dup

Gene: LRPPRC (leucine rich pentatricopeptide repeat containing; minus strand). Cytogenetic location: 2p21.
Variant type: Duplication.
Identifiers: ClinVar variation 3385137 (VCV003385137.1).